The following is an entry in ClinVar:

ClinVar aggregate classification (germline): Pathogenic (1 of 4 stars; one submission).

Conditions:
Glutathione synthetase deficiency with 5-oxoprolinuria. Also called: PYROGLUTAMIC ACIDURIA; 5-Oxoprolinuria; Gluthathione synthetase deficiency; 5-OXOPROLINURIA DUE TO GLUTATHIONE SYNTHETASE DEFICIENCY; Reduced glutathione synthetase level. Identifiers: Orphanet 289846, MedGen C0398746, MONDO:0009947, OMIM 266130, HP:0003343.

Submission:

Labcorp Genetics (formerly Invitae), Labcorp
Classification: Pathogenic for Glutathione synthetase deficiency with 5-oxoprolinuria. Last evaluated: 2023-07-25. Review status: criteria provided, single submitter. Criteria: Invitae Variant Classification Sherloc (09022015). Collection method: clinical testing. Allele origin: unknown.
Comment: In summary, the available evidence is currently insufficient to determine the role of this variant in disease. Therefore, it has been classified as a Variant of Uncertain Significance. This variant disrupts a region of the GSS protein in which other variant(s) (p.Asp469Glu) have been observed in individuals with GSS-related conditions (PMID: 9215686). This suggests that this is a clinically significant region of the protein, and that variants that disrupt it are likely to be disease-causing. This variant has not been reported in the literature in individuals affected with GSS-related conditions. This variant is a gross deletion of the genomic region encompassing exon(s) 12-13 of the GSS gene, which includes the termination codon. This deletion extends beyond the assayed region for this gene and therefore may encompass additional genes. While this deletion is not anticipated to lead to nonsense mediated decay, it is expected to alter mRNA translation or result in a truncated protein product.

Literature cited by the submitters: PubMed 9215686.

NC_000020.10:g.(?_33516631)_(33517413_?)del

Gene: GSS (glutathione synthetase; minus strand). Cytogenetic location: 20q11.22.
Variant type: Deletion.
Identifiers: ClinVar variation 3248261 (VCV003248261.1).